The following is an entry in ClinVar:

NM_001018115.3(FANCD2):c.2886C>G (p.Pro962=)

Genes: FANCD2 (FA complementation group D2; plus strand), LOC107303338 (3p25 FANCD2 Alu-mediated recombination region; plus strand). Cytogenetic location: 3p25.3.
Variant type: single nucleotide variant.
Coding change: c.2886C>G on transcript NM_001018115.3 (MANE Select); coding-DNA position 2886, C replaced by G.
Protein change: p.Pro962=; no amino-acid change (proline 962 retained).
Molecular consequence: synonymous variant.
Genome position (GRCh38, 1-based): chr3:10,078,107, C>G. VCF-style: chr3-10078107-C-G. GRCh37 (hg19) VCF-style: chr3-10119791-C-G.
Other names: c.2886C>G, p.Pro962= (NM_001319984.2, NM_001374254.1, NM_033084.6); c.2775C>G, p.Pro925= (NM_001374253.1).
Identifiers: ClinVar variation 2186124 (VCV002186124.28), dbSNP rs767496500, ClinGen allele CA2250223.

ClinVar aggregate classification (germline): Likely benign. Review status: criteria provided, multiple submitters, no conflicts (2 of 4 stars). 2 submissions from 2 submitters: Likely benign (2). Last evaluated 2026-03-01.

Conditions:
Fanconi anemia (FA). Also called: Fanconi's anemia. Identifiers: Orphanet 84, MedGen C0015625, MeSH D005199, MONDO:0019391.

Allele frequency attached by ClinVar (database versions not stated): gnomAD exomes 0.00002; TOPMed 0.00002; gnomAD 0.00003.
gnomAD v4.1: 36 of 1,613,610 alleles (0.0022%); highest among the groups gnomAD compares: Non-Finnish European, 0.0031%; no homozygotes.

Submissions (2):

CeGaT Center for Human Genetics Tuebingen
Classification: Likely benign. Last evaluated: 2026-03-01. Review status: criteria provided, single submitter. Criteria: CeGaT Center For Human Genetics Tuebingen Variant Classification Criteria Version 2. Collection method: clinical testing. Allele origin: germline. Affected: yes. Observed: 2 variant alleles.
Comment: FANCD2: BP4, BP7

Labcorp Genetics (formerly Invitae), Labcorp
Classification: Likely benign for Fanconi anemia. Last evaluated: 2024-07-19. Review status: criteria provided, single submitter. Criteria: Invitae Variant Classification Sherloc (09022015). Collection method: clinical testing. Allele origin: germline.